The following is an entry in ClinVar:

NM_001130698.2(TRPC3):c.385C>A (p.Arg129Ser)

Gene: TRPC3 (transient receptor potential cation channel subfamily C member 3; minus strand). Cytogenetic location: 4q27.
Variant type: single nucleotide variant.
Coding change: c.385C>A on transcript NM_001130698.2 (MANE Select); coding-DNA position 385, C replaced by A.
Protein change: p.Arg129Ser; replaces arginine 129 with serine.
Molecular consequence: missense variant.
Genome position (GRCh38, 1-based): chr4:121,932,873, G>T on the plus strand (C>A on the coding strand, the complement: TRPC3 is on the minus strand). VCF-style: chr4-121932873-G-T. GRCh37 (hg19) VCF-style: chr4-122854028-G-T.
Other names: c.385C>A, p.Arg129Ser (NM_001366479.2); c.166C>A, p.Arg56Ser (NM_003305.2); short protein forms R129S, R56S.
Identifiers: ClinVar variation 4525964 (VCV004525964.1).
Genomic context (GRCh38, chr4:121,932,873, plus strand): 5'-TCTGGCCCATGTAGTCCACGCAGTTGACGTTCAGCGTCTTGGACTCCTCCAGCATCTTGC[G>T]CACCACTGGGATGTTGCCGTACTCGGCGGCGTCGAGGAAGCGCTCCTCCTCGGCGGTGAG-3'
Protein context (NP_001124170.1, residues 119-139): AAEYGNIPVV[Arg129Ser]KMLEESKTLN

ClinVar aggregate classification (germline): Uncertain significance (1 of 4 stars; one submission).

gnomAD v4.1: 1 of 1,613,812 alleles (0.000062%); highest among the groups gnomAD compares: Non-Finnish European, 0.000085%; no homozygotes.

Submission:

Women's Health and Genetics/Laboratory Corporation of America, LabCorp
Classification: Uncertain significance. Last evaluated: 2025-07-11. Review status: criteria provided, single submitter. Criteria: LabCorp Variant Classification Summary - May 2015. Collection method: clinical testing. Allele origin: germline.
Comment: Variant summary: TRPC3 c.385C>A (p.Arg129Ser) results in a non-conservative amino acid change in the encoded protein sequence. Algorithms developed to predict the effect of missense changes on protein structure and function are either unavailable or do not agree on the potential impact of this missense change. The variant was absent in 250712 control chromosomes (gnomAD). The available data on variant occurrences in the general population are insufficient to allow any conclusion about variant significance. To our knowledge, no occurrence of c.385C>A in individuals affected with Spinocerebellar Ataxia Type 41 and no experimental evidence demonstrating its impact on protein function have been reported. No submitters have cited clinical-significance assessments for this variant to ClinVar. Based on the evidence outlined above, the variant was classified as uncertain significance.